The following is an entry in ClinVar:

ClinVar aggregate classification (germline): Uncertain significance. Review status: criteria provided, multiple submitters, no conflicts (2 of 4 stars). 2 submissions from 2 submitters: Uncertain significance (2). Last evaluated 2024-12-02.

Conditions:
Cone-rod dystrophy 7 (CORD7). Identifiers: Orphanet 1872, MedGen C1863634, MONDO:0011355, OMIM 603649.

Allele frequency attached by ClinVar (database versions not stated): gnomAD 0.00001; gnomAD exomes 0.00001; TOPMed 0.00001.
gnomAD v4.1: 16 of 1,613,122 alleles (0.00099%); highest among the groups gnomAD compares: Non-Finnish European, 0.0014%; no homozygotes.

Submissions (2):

Labcorp Genetics (formerly Invitae), Labcorp
Classification: Uncertain significance. Last evaluated: 2024-12-02. Review status: criteria provided, single submitter. Criteria: Invitae Variant Classification Sherloc (09022015). Collection method: clinical testing. Allele origin: germline.
Comment: This sequence change replaces glutamine, which is neutral and polar, with glutamic acid, which is acidic and polar, at codon 943 of the RIMS1 protein (p.Gln943Glu). This variant is not present in population databases (gnomAD no frequency). This variant has not been reported in the literature in individuals affected with RIMS1-related conditions. ClinVar contains an entry for this variant (Variation ID: 909159). An algorithm developed to predict the effect of missense changes on protein structure and function (PolyPhen-2) suggests that this variant is likely to be tolerated. In summary, the available evidence is currently insufficient to determine the role of this variant in disease. Therefore, it has been classified as a Variant of Uncertain Significance.

Illumina Laboratory Services, Illumina
Classification: Uncertain significance for Cone-rod dystrophy 7. Last evaluated: 2018-01-13. Review status: criteria provided, single submitter. Criteria: ICSL Variant Classification Criteria 13 December 2019. Collection method: clinical testing. Allele origin: germline.

NM_014989.7(RIMS1):c.2827C>G (p.Gln943Glu)

Gene: RIMS1 (regulating synaptic membrane exocytosis 1; plus strand). Cytogenetic location: 6q13.
Variant type: single nucleotide variant.
Coding change: c.2827C>G on transcript NM_014989.7 (MANE Select); coding-DNA position 2827, C replaced by G.
Protein change: p.Gln943Glu; replaces glutamine 943 with glutamic acid.
Molecular consequence: missense variant.
Genome position (GRCh38, 1-based): chr6:72,258,181, C>G. VCF-style: chr6-72258181-C-G. GRCh37 (hg19) VCF-style: chr6-72967884-C-G.
Other names: c.1246C>G, p.Gln416Glu (NM_001168407.2, NM_001350415.2, NM_001350418.2 and 19 more transcripts); c.1249C>G, p.Gln417Glu (NM_001168408.2, NM_001350414.2, NM_001350416.2 and 15 more transcripts); c.1006C>G, p.Gln336Glu (NM_001168409.2, NM_001350464.2, NM_001350465.2 and 3 more transcripts); c.1204C>G, p.Gln402Glu (NM_001168410.2, NM_001350470.2, NM_001350473.2 and 1 more transcripts); c.1177C>G, p.Gln393Glu (NM_001350421.2, NM_001350471.2, NM_001350430.2 and 2 more transcripts); c.1180C>G, p.Gln394Glu (NM_001350424.2, NM_001350428.2, NM_001350462.2 and 1 more transcripts); c.1003C>G, p.Gln335Glu (NM_001350461.2, NM_001350463.2, NM_001350468.2); c.1201C>G, p.Gln401Glu (NM_001350472.2); short protein forms Q336E, Q335E, Q394E, Q401E, Q393E, Q417E, Q943E, Q402E.
Identifiers: ClinVar variation 909159 (VCV000909159.7), dbSNP rs2076646164, ClinGen allele CA364681571.